The following is an entry in ClinVar:

ClinVar aggregate classification (germline): Uncertain significance (1 of 4 stars; one submission).

Submission:

CeGaT Center for Human Genetics Tuebingen
Classification: Uncertain significance. Last evaluated: 2026-05-01. Review status: criteria provided, single submitter. Criteria: CeGaT Center For Human Genetics Tuebingen Variant Classification Criteria Version 2. Collection method: clinical testing. Allele origin: germline. Affected: yes. Observed: 1 variant allele.
Comment: DIAPH1: PM2:Supporting, PP3

NM_005219.5(DIAPH1):c.1492C>T (p.Leu498=)

Gene: DIAPH1 (diaphanous related formin 1; minus strand). Cytogenetic location: 5q31.3.
Variant type: single nucleotide variant.
Coding change: c.1492C>T on transcript NM_005219.5 (MANE Select); coding-DNA position 1492, C replaced by T.
Protein change: p.Leu498=; no amino-acid change (leucine 498 retained).
Molecular consequence: synonymous variant.
Genome position (GRCh38, 1-based): chr5:141,575,116, G>A on the plus strand (C>T on the coding strand, the complement: DIAPH1 is on the minus strand). VCF-style: chr5-141575116-G-A. GRCh37 (hg19) VCF-style: chr5-140954683-G-A.
Other names: c.1465C>T, p.Leu489= (NM_001079812.3); c.1492C>T, p.Leu498= (NM_001314007.2).
Identifiers: ClinVar variation 4873877 (VCV004873877.2).